The following is an entry in ClinVar:

ClinVar aggregate classification (germline): Uncertain significance (1 of 4 stars; one submission).

Conditions:
Cataract 38. Also called: Cataract, autosomal recessive congenital 5; Cataract 38, autosomal recessive. Identifiers: Orphanet 91492, MedGen C3553494, MONDO:0013859, OMIM 614691.
Sengers syndrome. Also called: MITOCHONDRIAL DNA DEPLETION SYNDROME 10 (CARDIOMYOPATHIC TYPE); Cardiomyopathy and cataract. Identifiers: Orphanet 1369, MedGen C1859317, MONDO:0008922, OMIM 212350.

Allele frequency attached by ClinVar (database versions not stated): ExAC 0.00001; gnomAD exomes 0.00001; TOPMed 0.00001; gnomAD 0.00002.
gnomAD v4.1: 21 of 1,612,038 alleles (0.0013%); highest among the groups gnomAD compares: Non-Finnish European, 0.0017%; no homozygotes.

Submission:

Labcorp Genetics (formerly Invitae), Labcorp
Classification: Uncertain significance for Sengers syndrome; Cataract 38. Last evaluated: 2022-06-19. Review status: criteria provided, single submitter. Criteria: Invitae Variant Classification Sherloc (09022015). Collection method: clinical testing. Allele origin: germline.
Comment: In summary, the available evidence is currently insufficient to determine the role of this variant in disease. Therefore, it has been classified as a Variant of Uncertain Significance. Algorithms developed to predict the effect of missense changes on protein structure and function are either unavailable or do not agree on the potential impact of this missense change (SIFT: "Deleterious"; PolyPhen-2: "Benign"; Align-GVGD: "Class C25"). This variant has not been reported in the literature in individuals affected with AGK-related conditions. This variant is present in population databases (rs749399502, gnomAD 0.002%). This sequence change replaces tyrosine, which is neutral and polar, with histidine, which is basic and polar, at codon 224 of the AGK protein (p.Tyr224His).

NM_018238.4(AGK):c.670T>C (p.Tyr224His)

Gene: AGK (acylglycerol kinase; plus strand). Cytogenetic location: 7q34.
Variant type: single nucleotide variant.
Coding change: c.670T>C on transcript NM_018238.4 (MANE Select); coding-DNA position 670, T replaced by C.
Protein change: p.Tyr224His; replaces tyrosine 224 with histidine.
Molecular consequence: missense variant.
Genome position (GRCh38, 1-based): chr7:141,636,961, T>C. VCF-style: chr7-141636961-T-C. GRCh37 (hg19) VCF-style: chr7-141336761-T-C.
Other names: c.670T>C, p.Tyr224His (NM_001364948.3); short protein forms Y224H.
Identifiers: ClinVar variation 1975215 (VCV001975215.4), dbSNP rs749399502, ClinGen allele CA4517541.